The following is an entry in ClinVar:

NM_016169.4(SUFU):c.778G>C (p.Glu260Gln)

Gene: SUFU (SUFU negative regulator of hedgehog signaling; plus strand). Cytogenetic location: 10q24.32.
Variant type: single nucleotide variant.
Coding change: c.778G>C on transcript NM_016169.4 (MANE Select); coding-DNA position 778, G replaced by C.
Protein change: p.Glu260Gln; replaces glutamic acid 260 with glutamine.
Molecular consequence: missense variant.
Genome position (GRCh38, 1-based): chr10:102,597,161, G>C. VCF-style: chr10-102597161-G-C. GRCh37 (hg19) VCF-style: chr10-104356918-G-C.
Other names: c.778G>C, p.Glu260Gln (NM_001178133.2); short protein forms E260Q.
Identifiers: ClinVar variation 941445 (VCV000941445.10), dbSNP rs775245784, ClinGen allele CA377910322.

ClinVar aggregate classification (germline): Uncertain significance (1 of 4 stars; one submission).

Conditions:
Gorlin syndrome. Also called: Nevoid Basal Cell Carcinoma Syndrome; Basal cell nevus syndrome. Identifiers: Orphanet 377, MedGen C0004779, MONDO:0007187.
Medulloblastoma (MDB). Also called: Medulloblastoma, somatic; MEDULLOBLASTOMA PREDISPOSITION SYNDROME. Identifiers: Orphanet 616, MedGen C0025149, MeSH D008527, MONDO:0007959, OMIM 155255, HP:0002885.

Submission:

Labcorp Genetics (formerly Invitae), Labcorp
Classification: Uncertain significance for Gorlin syndrome; Medulloblastoma. Last evaluated: 2020-03-29. Review status: criteria provided, single submitter. Criteria: Invitae Variant Classification Sherloc (09022015). Collection method: clinical testing. Allele origin: germline.
Comment: In summary, the available evidence is currently insufficient to determine the role of this variant in disease. Therefore, it has been classified as a Variant of Uncertain Significance. Algorithms developed to predict the effect of missense changes on protein structure and function (SIFT, PolyPhen-2, Align-GVGD) all suggest that this variant is likely to be disruptive, but these predictions have not been confirmed by published functional studies and their clinical significance is uncertain. This variant has not been reported in the literature in individuals with SUFU-related conditions. This variant is not present in population databases (ExAC no frequency). This sequence change replaces glutamic acid with glutamine at codon 260 of the SUFU protein (p.Glu260Gln). The glutamic acid residue is highly conserved and there is a small physicochemical difference between glutamic acid and glutamine.